The following is an entry in ClinVar:

NM_002160.4(TNC):c.608G>T (p.Gly203Val)

Gene: TNC (tenascin C; minus strand). Cytogenetic location: 9q33.1.
Variant type: single nucleotide variant.
Coding change: c.608G>T on transcript NM_002160.4 (MANE Select); coding-DNA position 608, G replaced by T.
Protein change: p.Gly203Val; replaces glycine 203 with valine.
Molecular consequence: missense variant.
Genome position (GRCh38, 1-based): chr9:115,087,123, C>A on the plus strand (G>T on the coding strand, the complement: TNC is on the minus strand). VCF-style: chr9-115087123-C-A. GRCh37 (hg19) VCF-style: chr9-117849402-C-A.
Other names: c.608G>T, p.Gly203Val (NM_001410991.1); c.608G>T (NM_002160.3); short protein forms G203V.
Identifiers: ClinVar variation 3238904 (VCV003238904.2), dbSNP rs149986851.

ClinVar aggregate classification (germline): Conflicting classifications of pathogenicity. Review status: no assertion criteria provided (0 of 4 stars). 2 submissions from 2 submitters: Uncertain significance (1); Likely benign (1). Last evaluated 2024-09-26.

Conditions:
TNC-related disorder. Also called: TNC-related condition.
Meniere disease. Also called: Ménière's disease. Identifiers: MedGen C0025281, MONDO:0007972, OMIM 156000.

Allele frequency attached by ClinVar (database versions not stated): ExAC 0.00021; TOPMed 0.00028; gnomAD 0.00031; ESP Exome Variant Server 0.00046.
gnomAD v4.1: 821 of 1,614,118 alleles (0.051%); highest among the groups gnomAD compares: Non-Finnish European, 0.066%; 1 homozygote.

Submissions (2):

PreventionGenetics, part of Exact Sciences
Classification: Likely benign for TNC-related condition. Last evaluated: 2024-09-26. Review status: no assertion criteria provided. Collection method: clinical testing. Allele origin: germline.
Comment: This variant is classified as likely benign based on ACMG/AMP sequence variant interpretation guidelines (Richards et al. 2015 PMID: 25741868, with internal and published modifications).

Center for Computational Biology & Bioinformatics, University of California, San Diego
Classification: Uncertain significance for Meniere disease. Last evaluated: 2024-06-03. Review status: no assertion criteria provided. Collection method: research. Allele origin: germline. Affected: yes.